The following is an entry in ClinVar:

NM_003839.4(TNFRSF11A):c.124C>T (p.His42Tyr)

Gene: TNFRSF11A (TNF receptor superfamily member 11a; plus strand). Cytogenetic location: 18q21.33.
Variant type: single nucleotide variant.
Coding change: c.124C>T on transcript NM_003839.4 (MANE Select); coding-DNA position 124, C replaced by T.
Protein change: p.His42Tyr; replaces histidine 42 with tyrosine.
Molecular consequence: missense variant.
Genome position (GRCh38, 1-based): chr18:62,348,216, C>T. VCF-style: chr18-62348216-C-T. GRCh37 (hg19) VCF-style: chr18-60015449-C-T.
Other names: c.124C>T, p.His42Tyr (NM_001270949.2, NM_001270950.2, NM_001270951.2 and 1 more transcripts); short protein forms H42Y.
Identifiers: ClinVar variation 1965137 (VCV001965137.5), dbSNP rs1024921582, ClinGen allele CA301688487.

ClinVar aggregate classification (germline): Uncertain significance (1 of 4 stars; one submission).

Allele frequency attached by ClinVar (database versions not stated): gnomAD exomes 0.00001; TOPMed 0.00001; gnomAD 0.00001.
gnomAD v4.1: 11 of 1,613,994 alleles (0.00068%); highest among the groups gnomAD compares: African/African-American, 0.0027%; no homozygotes.

Submission:

Labcorp Genetics (formerly Invitae), Labcorp
Classification: Uncertain significance. Last evaluated: 2023-07-27. Review status: criteria provided, single submitter. Criteria: Invitae Variant Classification Sherloc (09022015). Collection method: clinical testing. Allele origin: germline.
Comment: In summary, the available evidence is currently insufficient to determine the role of this variant in disease. Therefore, it has been classified as a Variant of Uncertain Significance. Advanced modeling of protein sequence and biophysical properties (such as structural, functional, and spatial information, amino acid conservation, physicochemical variation, residue mobility, and thermodynamic stability) performed at Invitae indicates that this missense variant is not expected to disrupt TNFRSF11A protein function. ClinVar contains an entry for this variant (Variation ID: 1965137). This variant has not been reported in the literature in individuals affected with TNFRSF11A-related conditions. This variant is not present in population databases (gnomAD no frequency). This sequence change replaces histidine, which is basic and polar, with tyrosine, which is neutral and polar, at codon 42 of the TNFRSF11A protein (p.His42Tyr).